The following is an entry in ClinVar:

NM_001048174.2(MUTYH):c.929_930delinsGC (p.Gln310Arg)

Gene: MUTYH (mutY DNA glycosylase; minus strand). Cytogenetic location: 1p34.1.
Variant type: Indel.
Coding change: c.929_930delinsGC on transcript NM_001048174.2 (MANE Select); coding-DNA positions 929 to 930, AG replaced by GC.
Protein change: p.Gln310Arg; replaces glutamine 310 with arginine.
Molecular consequence: missense variant. On other transcripts: non-coding transcript variant (2).
Genome position (GRCh38, 1-based): chr1:45,331,833-45,331,834, CT replaced by GC on the plus strand (AG replaced by GC on the coding strand, the reverse complement: MUTYH is on the minus strand). VCF-style: chr1-45331833-CT-GC. GRCh37 (hg19) VCF-style: chr1-45797505-CT-GC.
Other names: c.1013_1014delAGinsGC (NM_001128425.1); c.929_930delinsGC, p.Gln310Arg (NM_001048171.2, NM_001048173.2, NM_001293195.2); c.932_933delinsGC, p.Gln311Arg (NM_001048172.2); c.1013_1014delinsGC, p.Gln338Arg (NM_001128425.2); c.974_975delinsGC, p.Gln325Arg (NM_001293190.2); c.962_963delinsGC, p.Gln321Arg (NM_001293191.2); c.653_654delinsGC, p.Gln218Arg (NM_001293192.2, NM_001293196.2); c.584_585delinsGC, p.Gln195Arg (NM_001350650.2, NM_001350651.2); and 1 more; short protein forms Q321R, Q310R, Q311R, Q325R, Q218R, Q195R, Q335R, Q338R.
Identifiers: ClinVar variation 127836 (VCV000127836.25), dbSNP rs587780083, ClinGen allele CA011963.

ClinVar aggregate classification (germline): Conflicting classifications of pathogenicity. Review status: criteria provided, conflicting classifications (1 of 4 stars). 8 submissions from 8 submitters: Uncertain significance (3); Likely benign (5). Last evaluated 2026-04-23.

Conditions:
Familial adenomatous polyposis 2. Also called: COLORECTAL ADENOMATOUS POLYPOSIS, AUTOSOMAL RECESSIVE; MYH-associated polyposis; MUTYH-related attenuated familial adenomatous polyposis; MUTYH-associated polyposis; MUTYH Polyposis; Adenomas, multiple colorectal. Identifiers: Orphanet 220460, Orphanet 247798, MedGen C3272841, MONDO:0012041, OMIM 608456.
Gastric cancer. Also called: Stomach cancer; Malignant tumor of stomach. Identifiers: MedGen C0024623, MeSH D013274, MONDO:0001056, OMIM 613659, HP:0012126.
Hereditary cancer-predisposing syndrome. Also called: Tumor predisposition; Hereditary neoplastic syndrome; Hereditary Cancer Syndrome; Neoplastic Syndromes, Hereditary. Identifiers: Orphanet 140162, MedGen C0027672, MeSH D009386, MONDO:0015356.

Submissions (8):

Women's Health and Genetics/Laboratory Corporation of America, LabCorp
Classification: Likely benign. Last evaluated: 2026-04-23. Review status: criteria provided, single submitter. Criteria: LabCorp Variant Classification Summary - May 2015. Collection method: clinical testing. Allele origin: germline.
Comment: Variant summary: MUTYH c.1013_1014delinsGC (p.Gln338Arg) results in a conservative amino acid change in the encoded protein sequence. Algorithms developed to predict the effect of missense changes on protein structure and function are either unavailable or do not agree on the potential impact of this missense change. The variant allele was found at a frequency of 0.00013 in 263932 control chromosomes, predominantly at a frequency of 0.0027 within the Ashkenazi Jewish subpopulation in the gnomAD database. c.1013_1014delinsGC has been reported in individuals affected with breast and colon cancer (Tung_2016, Yurgelun_2017). These reports do not provide unequivocal conclusions about association of the variant with MUTYH-associated Polyposis. Functional evaluation of Gln338Arg showed the variant, despite a reduced glycosylase activity, was able to complement for E. coli MutY in the rifampicin assay suggesting the enzyme to be functionally able to reduce mutations (Kundu_2009, Komine_2015). The following publications have been ascertained in the context of this evaluation (PMID: 25820570, 19836313, 26976419, 28135145). ClinVar contains an entry for this variant (Variation ID: 127836). Based on the evidence outlined above, the variant was classified as likely benign.

Labcorp Genetics (formerly Invitae), Labcorp
Classification: Likely benign for Familial adenomatous polyposis 2. Last evaluated: 2026-01-28. Review status: criteria provided, single submitter. Criteria: Invitae Variant Classification Sherloc (09022015). Collection method: clinical testing. Allele origin: germline.

Center for Genomic Medicine, Rigshospitalet, Copenhagen University Hospital
Classification: Uncertain significance. Last evaluated: 2025-12-29. Review status: criteria provided, single submitter. Criteria: ACMG Guidelines, 2015. Collection method: clinical testing. Allele origin: germline.

Color Diagnostics, LLC DBA Color Health
Classification: Likely benign for Hereditary cancer-predisposing syndrome. Last evaluated: 2024-09-19. Review status: criteria provided, single submitter. Criteria: ACMG Guidelines, 2015. Collection method: clinical testing. Allele origin: germline.

Ambry Genetics
Classification: Likely benign for Hereditary cancer-predisposing syndrome. Last evaluated: 2023-01-25. Review status: criteria provided, single submitter. Criteria: Ambry Variant Classification Scheme 2023. Collection method: clinical testing. Allele origin: germline.

GeneDx
Classification: Likely benign. Last evaluated: 2020-06-29. Review status: criteria provided, single submitter. Criteria: GeneDx Variant Classification Process June 2021. Collection method: clinical testing. Allele origin: germline. Affected: yes.
Comment: This variant is associated with the following publications: (PMID: 26976419, 27153395, 25820570, 19836313)

Department of Pathology and Laboratory Medicine, Sinai Health System
Classification: Uncertain significance for Familial adenomatous polyposis 2; Gastric cancer. Last evaluated: 2020-02-05. Review status: criteria provided, single submitter. Criteria: ACMG Guidelines, 2015. Collection method: clinical testing. Allele origin: germline. Affected: no.

Quest Diagnostics Nichols Institute San Juan Capistrano
Classification: Uncertain significance. Last evaluated: 2017-01-15. Review status: criteria provided, single submitter. Criteria: Quest Diagnostics criteria. Collection method: clinical testing. Allele origin: germline.

Literature cited by the submitters: PubMed 25820570 (cited by 4 submitters); PubMed 19836313 (cited by Women's Health and Genetics/Laboratory Corporation of America, LabCorp and Ambry Genetics); PubMed 26976419 (cited by 3 submitters); PubMed 28135145 (cited by Women's Health and Genetics/Laboratory Corporation of America, LabCorp and Ambry Genetics).